The following is an entry in ClinVar:

ClinVar aggregate classification (germline): Uncertain significance (1 of 4 stars; one submission).

Conditions:
Fanconi anemia (FA). Also called: Fanconi's anemia. Identifiers: Orphanet 84, MedGen C0015625, MeSH D005199, MONDO:0019391.

Allele frequency attached by ClinVar (database versions not stated): TOPMed below 0.00001; ExAC 0.00002; gnomAD exomes 0.00002.
gnomAD v4.1: 11 of 1,612,808 alleles (0.00068%); highest among the groups gnomAD compares: East Asian, 0.025%; no homozygotes.

Submission:

Labcorp Genetics (formerly Invitae), Labcorp
Classification: Uncertain significance for Fanconi anemia. Last evaluated: 2023-10-25. Review status: criteria provided, single submitter. Criteria: Invitae Variant Classification Sherloc (09022015). Collection method: clinical testing. Allele origin: germline.
Comment: This sequence change replaces lysine, which is basic and polar, with threonine, which is neutral and polar, at codon 1335 of the FANCM protein (p.Lys1335Thr). This variant is present in population databases (rs765026410, gnomAD 0.02%). This variant has not been reported in the literature in individuals affected with FANCM-related conditions. ClinVar contains an entry for this variant (Variation ID: 1063365). An algorithm developed to predict the effect of missense changes on protein structure and function (PolyPhen-2) suggests that this variant is likely to be tolerated. In summary, the available evidence is currently insufficient to determine the role of this variant in disease. Therefore, it has been classified as a Variant of Uncertain Significance.

NM_020937.4(FANCM):c.4004A>C (p.Lys1335Thr)

Gene: FANCM (FA complementation group M; plus strand). Cytogenetic location: 14q21.2.
Variant type: single nucleotide variant.
Coding change: c.4004A>C on transcript NM_020937.4 (MANE Select); coding-DNA position 4004, A replaced by C.
Protein change: p.Lys1335Thr; replaces lysine 1335 with threonine.
Molecular consequence: missense variant.
Genome position (GRCh38, 1-based): chr14:45,176,758, A>C. VCF-style: chr14-45176758-A-C. GRCh37 (hg19) VCF-style: chr14-45645961-A-C.
Other names: c.3926A>C, p.Lys1309Thr (NM_001308133.2); short protein forms K1309T, K1335T.
Identifiers: ClinVar variation 1063365 (VCV001063365.9), dbSNP rs765026410, ClinGen allele CA7169615.